The following is an entry in ClinVar:

NM_000548.5(TSC2):c.3474A>G (p.Pro1158=)

Gene: TSC2 (TSC complex subunit 2; plus strand). Cytogenetic location: 16p13.3.
Variant type: single nucleotide variant.
Coding change: c.3474A>G on transcript NM_000548.5 (MANE Select); coding-DNA position 3474, A replaced by G.
Protein change: p.Pro1158=; no amino-acid change (proline 1158 retained).
Molecular consequence: synonymous variant. On other transcripts: non-coding transcript variant (5).
Genome position (GRCh38, 1-based): chr16:2,080,241, A>G. VCF-style: chr16-2080241-A-G. GRCh37 (hg19) VCF-style: chr16-2130242-A-G.
Other names: c.3345A>G, p.Pro1115= (NM_021055.3, NM_001363528.2, NM_001370405.1); c.3342A>G, p.Pro1114= (NM_001077183.3, NM_001370404.1, NM_001406665.1); c.3474A>G, p.Pro1158= (NM_001114382.3); c.3234A>G, p.Pro1078= (NM_001318827.2); c.3198A>G, p.Pro1066= (NM_001318829.2); c.2742A>G, p.Pro914= (NM_001318831.2, NM_001406687.1, NM_001406688.1); c.3375A>G, p.Pro1125= (NM_001318832.2); c.3471A>G, p.Pro1157= (NM_001406663.1, NM_001406664.1); and 18 more.
Identifiers: ClinVar variation 3000408 (VCV003000408.5), dbSNP rs764816862, ClinGen allele CA493042881.

ClinVar aggregate classification (germline): Likely benign. Review status: criteria provided, multiple submitters, no conflicts (2 of 4 stars). 3 submissions from 3 submitters: Likely benign (3). Last evaluated 2025-01-23.

Conditions:
Tuberous sclerosis 2 (TSC2). Identifiers: Orphanet 805, MedGen C1860707, MONDO:0013199, OMIM 613254.
Hereditary cancer-predisposing syndrome. Also called: Hereditary Cancer Syndrome; Hereditary neoplastic syndrome; Neoplastic Syndromes, Hereditary; Tumor predisposition. Identifiers: Orphanet 140162, MedGen C0027672, MeSH D009386, MONDO:0015356.
Tuberous sclerosis syndrome (TSC). Also called: Tuberous Sclerosis Complex; Tuberous sclerosis. Identifiers: Orphanet 805, MedGen C0041341, MONDO:0001734.

Submissions (3):

Labcorp Genetics (formerly Invitae), Labcorp
Classification: Likely benign for Tuberous sclerosis 2. Last evaluated: 2025-01-23. Review status: criteria provided, single submitter. Criteria: Invitae Variant Classification Sherloc (09022015). Collection method: clinical testing. Allele origin: germline.

Ambry Genetics
Classification: Likely benign for Hereditary cancer-predisposing syndrome. Last evaluated: 2024-06-07. Review status: criteria provided, single submitter. Criteria: Ambry Variant Classification Scheme 2023. Collection method: clinical testing. Allele origin: germline.

All of Us Research Program, National Institutes of Health
Classification: Likely benign for Tuberous sclerosis syndrome. Last evaluated: 2023-08-15. Review status: criteria provided, single submitter. Criteria: ACMG Guidelines, 2015. Collection method: clinical testing. Allele origin: germline. Inheritance: Autosomal dominant inheritance. Observed: 1 variant allele, 1 heterozygote.
Comment: This study involves interpretation of variants in research participants for the purpose of population health screening. Participant phenotype was not available at the time of variant classification. Additional details can be found in publication PMID: 35346344, PMCID: PMC8962531